The following is an entry in ClinVar:

ClinVar aggregate classification (germline): Uncertain significance (1 of 4 stars; one submission).

Conditions:
Glycogen storage disease IXd (GSD9D). Also called: GSD IXd; Muscle Phosphorylase Kinase Deficiency. Identifiers: Orphanet 715, MedGen C1845151, MONDO:0010362, OMIM 300559.

gnomAD v4.1: 3 of 1,199,976 alleles (0.00025%); highest among the groups gnomAD compares: African/African-American, 0.0018%; no homozygotes.

Submissions (2):

Labcorp Genetics (formerly Invitae), Labcorp
Classification: Uncertain significance for Glycogen storage disease IXd. Last evaluated: 2025-04-08. Review status: criteria provided, single submitter. Criteria: Invitae Variant Classification Sherloc (09022015). Collection method: clinical testing. Allele origin: germline.
Comment: This sequence change replaces glycine, which is neutral and non-polar, with arginine, which is basic and polar, at codon 182 of the PHKA1 protein (p.Gly182Arg). This variant is not present in population databases (gnomAD no frequency). This variant has not been reported in the literature in individuals affected with PHKA1-related conditions. Invitae Evidence Modeling of protein sequence and biophysical properties (such as structural, functional, and spatial information, amino acid conservation, physicochemical variation, residue mobility, and thermodynamic stability) indicates that this missense variant is expected to disrupt PHKA1 protein function with a positive predictive value of 80%. In summary, the available evidence is currently insufficient to determine the role of this variant in disease. Therefore, it has been classified as a Variant of Uncertain Significance.

Dr. Peter K. Rogan Lab, Western University
No classification provided (evidence only). Condition: Thyroid cancer, nonmedullary, 1. Review status: no classification provided. Collection method: in vitro. Allele origin: not applicable. Functional consequence: skipped exon, retained intron. Not counted in ClinVar's aggregate classification.

NM_002637.4(PHKA1):c.544G>A (p.Gly182Arg)

Gene: PHKA1 (phosphorylase kinase regulatory subunit alpha 1; minus strand). Cytogenetic location: Xq13.1.
Variant type: single nucleotide variant.
Coding change: c.544G>A on transcript NM_002637.4 (MANE Select); coding-DNA position 544, G replaced by A.
Protein change: p.Gly182Arg; replaces glycine 182 with arginine.
Molecular consequence: missense variant.
Genome position (GRCh38, 1-based): chrX:72,676,144, C>T on the plus strand (G>A on the coding strand, the complement: PHKA1 is on the minus strand). VCF-style: chrX-72676144-C-T. GRCh37 (hg19) VCF-style: chrX-71895994-C-T.
Other names: NC_000023.10:g.71895994C>T; c.544G>A, p.Gly182Arg (NM_001122670.2, NM_001172436.2, NM_001431068.1 and 2 more transcripts); short protein forms G182R.
Identifiers: ClinVar variation 4497865 (VCV004497865.2).